The following is an entry in ClinVar:

NM_000660.7(TGFB1):c.5C>T (p.Pro2Leu)

Gene: TGFB1 (transforming growth factor beta 1; minus strand). Cytogenetic location: 19q13.2.
Variant type: single nucleotide variant.
Coding change: c.5C>T on transcript NM_000660.7 (MANE Select); coding-DNA position 5, C replaced by T.
Protein change: p.Pro2Leu; replaces proline 2 with leucine.
Molecular consequence: missense variant.
Genome position (GRCh38, 1-based): chr19:41,353,040, G>A on the plus strand (C>T on the coding strand, the complement: TGFB1 is on the minus strand). VCF-style: chr19-41353040-G-A. GRCh37 (hg19) VCF-style: chr19-41858945-G-A.
Other names: short protein forms P2L.
Identifiers: ClinVar variation 4771485 (VCV004771485.1).

ClinVar aggregate classification (germline): Uncertain significance (1 of 4 stars; one submission).

gnomAD v4.1: 1 of 1,527,154 alleles (0.000065%); highest among the groups gnomAD compares: South Asian, 0.0012%; no homozygotes.

Submission:

Labcorp Genetics (formerly Invitae), Labcorp
Classification: Uncertain significance. Last evaluated: 2025-05-26. Review status: criteria provided, single submitter. Criteria: Invitae Variant Classification Sherloc (09022015). Collection method: clinical testing. Allele origin: germline.
Comment: This sequence change replaces proline, which is neutral and non-polar, with leucine, which is neutral and non-polar, at codon 2 of the TGFB1 protein (p.Pro2Leu). This variant is present in population databases (no rsID available, gnomAD 0.005%). This variant has not been reported in the literature in individuals affected with TGFB1-related conditions. Experimental studies and prediction algorithms are not available or were not evaluated, and the functional significance of this variant is currently unknown. In summary, the available evidence is currently insufficient to determine the role of this variant in disease. Therefore, it has been classified as a Variant of Uncertain Significance.